The following is an entry in ClinVar:

NM_000276.4(OCRL):c.1225T>C (p.Leu409=)

Gene: OCRL (OCRL inositol polyphosphate-5-phosphatase; plus strand). Cytogenetic location: Xq26.1.
Variant type: single nucleotide variant.
Coding change: c.1225T>C on transcript NM_000276.4 (MANE Select); coding-DNA position 1225, T replaced by C.
Protein change: p.Leu409=; no amino-acid change (leucine 409 retained).
Molecular consequence: synonymous variant.
Genome position (GRCh38, 1-based): chrX:129,562,767, T>C. VCF-style: chrX-129562767-T-C. GRCh37 (hg19) VCF-style: chrX-128696744-T-C.
Other names: c.1228T>C, p.Leu410= (NM_001318784.2); c.1225T>C, p.Leu409= (NM_001587.4).
Identifiers: ClinVar variation 2091119 (VCV002091119.6), dbSNP rs750261396, ClinGen allele CA335086181.

ClinVar aggregate classification (germline): Likely benign. Review status: criteria provided, multiple submitters, no conflicts (2 of 4 stars). 2 submissions from 2 submitters: Likely benign (2). Last evaluated 2026-06-01.

Conditions:
Lowe syndrome (OCRL). Also called: LOWE OCULOCEREBRORENAL SYNDROME; Oculocerebrorenal Syndrome; PHOSPHATIDYLINOSITOL 4,5-BISPHOSPHATE 5-PHOSPHATASE DEFICIENCY. Identifiers: Orphanet 534, MedGen C0028860, MONDO:0010645, OMIM 309000.

Allele frequency attached by ClinVar (database versions not stated): gnomAD exomes 0.00001; TOPMed 0.00001; gnomAD 0.00002.

Submissions (2):

CeGaT Center for Human Genetics Tuebingen
Classification: Likely benign. Last evaluated: 2026-06-01. Review status: criteria provided, single submitter. Criteria: CeGaT Center For Human Genetics Tuebingen Variant Classification Criteria Version 2. Collection method: clinical testing. Allele origin: germline. Affected: yes. Observed: 1 variant allele.
Comment: OCRL: BP4, BP7

Labcorp Genetics (formerly Invitae), Labcorp
Classification: Likely benign for Lowe syndrome. Last evaluated: 2026-01-11. Review status: criteria provided, single submitter. Criteria: Invitae Variant Classification Sherloc (09022015). Collection method: clinical testing. Allele origin: germline.